The following is an entry in ClinVar:

ClinVar aggregate classification (germline): Uncertain significance. Review status: criteria provided, multiple submitters, no conflicts (2 of 4 stars). 2 submissions from 2 submitters: Uncertain significance (2). Last evaluated 2024-06-05.

Conditions:
Connective tissue disorder. Also called: Connective tissue disease. Identifiers: MedGen C0009782, MONDO:0003900.
Ehlers-Danlos syndrome, classic type, 1 (EDSCL1). Also called: Ehlers-Danlos Syndrome, Classic Type, COL5A1-Related; EDS I; Ehlers-Danlos syndrome, type 1; EHLERS-DANLOS SYNDROME, GRAVIS TYPE; EHLERS-DANLOS SYNDROME, SEVERE CLASSIC TYPE. Identifiers: MedGen C0268335, MONDO:0019567, OMIM 130000.

Allele frequency attached by ClinVar (database versions not stated): gnomAD exomes 0.00002; TOPMed below 0.00001; ExAC 0.00002.
gnomAD v4.1: 10 of 1,612,782 alleles (0.00062%); highest among the groups gnomAD compares: Non-Finnish European, 0.00076%; no homozygotes.

Submissions (2):

Labcorp Genetics (formerly Invitae), Labcorp
Classification: Uncertain significance for Ehlers-Danlos syndrome, classic type, 1. Last evaluated: 2024-06-05. Review status: criteria provided, single submitter. Criteria: Invitae Variant Classification Sherloc (09022015). Collection method: clinical testing. Allele origin: germline.
Comment: This sequence change falls in intron 25 of the COL5A2 gene. It does not directly change the encoded amino acid sequence of the COL5A2 protein. It affects a nucleotide within the consensus splice site. This variant is present in population databases (rs760304144, gnomAD 0.004%). This variant has not been reported in the literature in individuals affected with COL5A2-related conditions. ClinVar contains an entry for this variant (Variation ID: 547288). Variants that disrupt the consensus splice site are a relatively common cause of aberrant splicing (PMID: 17576681, 9536098). Algorithms developed to predict the effect of sequence changes on RNA splicing suggest that this variant is not likely to affect RNA splicing. In summary, the available evidence is currently insufficient to determine the role of this variant in disease. Therefore, it has been classified as a Variant of Uncertain Significance.

Center for Human Genetics, Inc
Classification: Uncertain significance for Connective tissue disorder. Last evaluated: 2016-11-01. Review status: criteria provided, single submitter. Criteria: ACMG Guidelines, 2015. Collection method: clinical testing. Allele origin: germline. Affected: yes.

Literature cited by the submitters: PubMed 17576681 (cited by Labcorp Genetics (formerly Invitae), Labcorp); PubMed 9536098 (cited by Labcorp Genetics (formerly Invitae), Labcorp).

NM_000393.5(COL5A2):c.1717-3C>T

Gene: COL5A2 (collagen type V alpha 2 chain; minus strand). Cytogenetic location: 2q32.2.
Variant type: single nucleotide variant.
Coding change: c.1717-3C>T on transcript NM_000393.5 (MANE Select); 3 bases into the intron before coding-DNA position 1717, C replaced by T.
Molecular consequence: intron variant.
Genome position (GRCh38, 1-based): chr2:189,064,036, G>A on the plus strand (C>T on the coding strand, the complement: COL5A2 is on the minus strand). VCF-style: chr2-189064036-G-A. GRCh37 (hg19) VCF-style: chr2-189928762-G-A.
Identifiers: ClinVar variation 547288 (VCV000547288.11), dbSNP rs760304144, ClinGen allele CA2022595.
Genomic context (GRCh38, chr2:189,064,036, plus strand): 5'-TTACCAAAGGTCCAAGTTTTCCTTCAGGACCTTGAACACCAGGATTTCCTGTCAAACCCT[G>A]AAAATAAAAAACCAACTGTCAGTTTGTTGCTGATATGCAGTTGAAGTAAAGATTCTTAAG-3'